The following is an entry in ClinVar:

ClinVar aggregate classification (germline): Likely benign. Review status: criteria provided, single submitter (1 of 4 stars). 2 submissions from 2 submitters: Likely benign (1). 1 of the submissions does not count toward it. Last evaluated 2025-08-22.

Conditions:
DLG5-related disorder. Also called: DLG5-related condition.

Allele frequency attached by ClinVar (database versions not stated): gnomAD 0.00121; 1000 Genomes Project 0.00140; 1000 Genomes Project 30x 0.00141; ESP Exome Variant Server 0.00146.

Submissions (2):

Ambry Genetics
Classification: Likely benign. Last evaluated: 2025-08-22. Review status: criteria provided, single submitter. Criteria: Ambry Variant Classification Scheme 2023. Collection method: clinical testing. Allele origin: germline.

PreventionGenetics, part of Exact Sciences
Classification: Likely benign for DLG5-related condition. Last evaluated: 2022-02-09. Review status: no assertion criteria provided. Collection method: clinical testing. Allele origin: germline. Not counted in ClinVar's aggregate classification.
Comment: This variant is classified as likely benign based on ACMG/AMP sequence variant interpretation guidelines (Richards et al. 2015 PMID: 25741868, with internal and published modifications).

NM_004747.4(DLG5):c.3880G>T (p.Val1294Leu)

Gene: DLG5 (discs large MAGUK scaffold protein 5; minus strand). Cytogenetic location: 10q22.3.
Variant type: single nucleotide variant.
Coding change: c.3880G>T on transcript NM_004747.4 (MANE Select); coding-DNA position 3880, G replaced by T.
Protein change: p.Val1294Leu; replaces valine 1294 with leucine.
Molecular consequence: missense variant.
Genome position (GRCh38, 1-based): chr10:77,816,696, C>A on the plus strand (G>T on the coding strand, the complement: DLG5 is on the minus strand). VCF-style: chr10-77816696-C-A. GRCh37 (hg19) VCF-style: chr10-79576454-C-A.
Other names: short protein forms V1294L.
Identifiers: ClinVar variation 3050412 (VCV003050412.3), dbSNP rs143790160, ClinGen allele CA5569434.
Genomic context (GRCh38, chr10:77,816,696, plus strand): 5'-AGGACAGGGTGTCGATGTTCAGGGGTGACTGTGGAGGAGTGCTGCATTCAGAATGTGACA[C>A]TGAACCTGCAGAGAGGAGCGGGTAATGCCGGTGTGAACTCCCATCTCACTTCCCCAACAG-3'
Protein context (NP_004738.3, residues 1284-1304): RSVVGSERGS[Val1294Leu]SHSECSTPPQ